The following is an entry in ClinVar:

NM_000505.4(F12):c.127A>C (p.Thr43Pro)

Gene: F12 (coagulation factor XII; minus strand). Cytogenetic location: 5q35.3.
Variant type: single nucleotide variant.
Coding change: c.127A>C on transcript NM_000505.4 (MANE Select); coding-DNA position 127, A replaced by C.
Protein change: p.Thr43Pro; replaces threonine 43 with proline.
Molecular consequence: missense variant.
Genome position (GRCh38, 1-based): chr5:177,406,050, T>G on the plus strand (A>C on the coding strand, the complement: F12 is on the minus strand). VCF-style: chr5-177406050-T-G. GRCh37 (hg19) VCF-style: chr5-176833051-T-G.
Other names: short protein forms T43P.
Identifiers: ClinVar variation 3771991 (VCV003771991.13).
Genomic context (GRCh38, chr5:177,406,050, plus strand): 5'-GGGTACATTTGTGGTACAGCTGCCGGTGGTACTGGAAGGGGAAGTGGCAGGGCTCCCCGG[T>G]GACAGTGAGAACTGCAGGGACAACACACTCTCTGAGGACTTCCCCTGTACTCAACTGCTC-3'
Protein context (NP_000496.2, residues 33-53): AEEHTVVLTV[Thr43Pro]GEPCHFPFQY

ClinVar aggregate classification (germline): Uncertain significance (1 of 4 stars; one submission).

gnomAD v4.1: 8 of 1,613,984 alleles (0.0005%); highest among the groups gnomAD compares: Middle Eastern, 0.016%; no homozygotes.

Submission:

CeGaT Center for Human Genetics Tuebingen
Classification: Uncertain significance. Last evaluated: 2025-01-01. Review status: criteria provided, single submitter. Criteria: CeGaT Center For Human Genetics Tuebingen Variant Classification Criteria Version 2. Collection method: clinical testing. Allele origin: germline. Affected: yes. Observed: 1 variant allele.
Comment: F12: PM2, BP4